The following is an entry in ClinVar:

ClinVar aggregate classification (germline): Uncertain significance (1 of 4 stars; one submission).

Conditions:
Hearing impairment. Also called: Impaired Hearing. Identifiers: MedGen C1384666, MONDO:0005365, HP:0000365.

Allele frequency attached by ClinVar (database versions not stated): gnomAD exomes below 0.00001.
gnomAD v4.1: 1 of 1,613,502 alleles (0.000062%); highest among the groups gnomAD compares: Non-Finnish European, 0.000085%; no homozygotes.

Submission:

Department of Otolaryngology – Head & Neck Surgery, Cochlear Implant Center
Classification: Uncertain significance for Hearing impairment. Last evaluated: 2021-04-12. Review status: criteria provided, single submitter. Criteria: ClinGen HL ACMG Specifications v1. Collection method: clinical testing. Allele origin: germline. Affected: yes.
Comment: PM2_Moderate, BP4_Moderate

NM_016239.4(MYO15A):c.1238G>C (p.Trp413Ser)

Gene: MYO15A (myosin XVA; plus strand). Cytogenetic location: 17p11.2.
Variant type: single nucleotide variant.
Coding change: c.1238G>C on transcript NM_016239.4 (MANE Select); coding-DNA position 1238, G replaced by C.
Protein change: p.Trp413Ser; replaces tryptophan 413 with serine.
Molecular consequence: missense variant.
Genome position (GRCh38, 1-based): chr17:18,120,038, G>C. VCF-style: chr17-18120038-G-C. GRCh37 (hg19) VCF-style: chr17-18023352-G-C.
Other names: short protein forms W413S.
Identifiers: ClinVar variation 1064922 (VCV001064922.3), dbSNP rs2142245203, ClinGen allele CA398578740.